The following is an entry in ClinVar:

NM_018076.5(ODAD2):c.2292_2293insA (p.Leu765fs)

Gene: ODAD2 (outer dynein arm docking complex subunit 2; minus strand). Cytogenetic location: 10p12.1.
Variant type: Insertion.
Coding change: c.2292_2293insA on transcript NM_018076.5 (MANE Select); coding-DNA positions 2292 to 2293, A inserted.
Protein change: p.Leu765fs; shifts the reading frame from leucine 765.
Molecular consequence: frameshift variant.
Genome position: GRCh38 VCF-style: chr10-27935212-G-GT. GRCh37 (hg19) VCF-style: chr10-28224141-G-GT.
Other names: c.2292_2293insA, p.Leu765fs (NM_001290020.2); c.867_868insA, p.Leu290fs (NM_001290021.2); c.1368_1369insA, p.Leu457fs (NM_001312689.2); short protein forms L290fs, L457fs, L765fs.
Identifiers: ClinVar variation 5007705 (VCV005007705.2).

ClinVar aggregate classification (germline): Likely pathogenic (1 of 4 stars; one submission).

Conditions:
Primary ciliary dyskinesia 23 (CILD23). Also called: CILIARY DYSKINESIA, PRIMARY, 23, WITH OR WITHOUT SITUS INVERSUS. Identifiers: Orphanet 244, MedGen C3809548, MONDO:0014193, OMIM 615451.

Submission:

Juno Genomics, Hangzhou Juno Genomics, Inc
Classification: Likely pathogenic for Primary ciliary dyskinesia 23. Review status: criteria provided, single submitter. Criteria: ACMG Guidelines, 2015. Collection method: clinical testing. Allele origin: germline.
Comment: Null variant in a gene where loss of function (LOF) is a known mechanism of disease.;Absent from controls (or at extremely low frequency if recessive) in Genome Aggregation Database.